The following is an entry in ClinVar:

ClinVar aggregate classification (germline): Likely benign. Review status: criteria provided, multiple submitters, no conflicts (2 of 4 stars). 3 submissions from 3 submitters: Likely benign (3). Last evaluated 2025-11-05.

Conditions:
Familial cancer of breast. Also called: BREAST CANCER, FAMILIAL; Hereditary breast cancer; hereditary breast carcinoma. Identifiers: Orphanet 227535, MedGen C0346153, MONDO:0016419, OMIM 114480. Disease mechanism: loss of function.
Hereditary cancer-predisposing syndrome. Also called: Neoplastic Syndromes, Hereditary; Hereditary Cancer Syndrome; Hereditary neoplastic syndrome; Tumor predisposition. Identifiers: Orphanet 140162, MedGen C0027672, MeSH D009386, MONDO:0015356.
Ataxia-telangiectasia syndrome (AT). Also called: Ataxia-telangiectasia, complementation group E; Cerebello-oculocutaneous telangiectasia; Immunodeficiency with ataxia telangiectasia; AT, COMPLEMENTATION GROUP C; Ataxia-telangiectasia, complementation group D; Ataxia telangiectasia (A-T). Identifiers: Orphanet 100, MedGen C0004135, MONDO:0008840, OMIM 208900.

Allele frequency attached by ClinVar (database versions not stated): gnomAD exomes below 0.00001.
gnomAD v4.1: 1 of 1,613,360 alleles (0.000062%); highest among the groups gnomAD compares: Admixed American, 0.0017%; no homozygotes.

Submissions (3):

Labcorp Genetics (formerly Invitae), Labcorp
Classification: Likely benign for Ataxia-telangiectasia syndrome. Last evaluated: 2025-11-05. Review status: criteria provided, single submitter. Criteria: Invitae Variant Classification Sherloc (09022015). Collection method: clinical testing. Allele origin: germline.

Myriad Genetics, Inc.
Classification: Likely benign for Familial cancer of breast. Last evaluated: 2024-05-21. Review status: criteria provided, single submitter. Criteria: Myriad Autosomal Dominant, Autosomal Recessive and X-Linked Classification Criteria (2023). Collection method: clinical testing. Allele origin: unknown.
Comment: This variant is considered likely benign. This variant is intronic and is not expected to impact mRNA splicing.

Color Diagnostics, LLC DBA Color Health
Classification: Likely benign for Hereditary cancer-predisposing syndrome. Last evaluated: 2021-03-17. Review status: criteria provided, single submitter. Criteria: ACMG Guidelines, 2015. Collection method: clinical testing. Allele origin: germline.

NM_000051.4(ATM):c.4777-9C>T

Gene: ATM (ATM serine/threonine kinase; plus strand). Cytogenetic location: 11q22.3.
Variant type: single nucleotide variant.
Coding change: c.4777-9C>T on transcript NM_000051.4 (MANE Select); 9 bases into the intron before coding-DNA position 4777, C replaced by T.
Molecular consequence: intron variant.
Genome position (GRCh38, 1-based): chr11:108,294,918, C>T. VCF-style: chr11-108294918-C-T. GRCh37 (hg19) VCF-style: chr11-108165645-C-T.
Other names: c.4777-9C>T (NM_001351834.2).
Identifiers: ClinVar variation 1114882 (VCV001114882.12), dbSNP rs1214975942, ClinGen allele CA601721462.